The following is an entry in ClinVar:

ClinVar aggregate classification (germline): Uncertain significance (1 of 4 stars; one submission).

Conditions:
Inborn genetic diseases. Identifiers: MedGen C0950123, MeSH D030342.

Submission:

Ambry Genetics
Classification: Uncertain significance for Inborn genetic diseases. Last evaluated: 2026-09-14. Review status: criteria provided, single submitter. Criteria: Ambry Variant Classification Scheme 2023. Collection method: clinical testing. Allele origin: germline.
Comment: The c.2027G>A (p.G676D) alteration is located in exon 16 (coding exon 15) of the PIK3R2 gene. This alteration results from a G to A substitution at nucleotide position 2027, causing the glycine (G) at amino acid position 676 to be replaced by an aspartic acid (D). Based on data from gnomAD, the A allele has an overall frequency of <0.001% (1/242606) total alleles studied. The highest observed frequency was 0.001% (1/107862) of European (non-Finnish) alleles. This amino acid position is highly conserved in available vertebrate species. This alteration is predicted to be deleterious by in silico analysis. Based on insufficient or conflicting evidence, the clinical significance of this alteration remains unclear.

NM_005027.4(PIK3R2):c.2027G>A (p.Gly676Asp)

Gene: PIK3R2 (phosphoinositide-3-kinase regulatory subunit 2; plus strand). Cytogenetic location: 19p13.11.
Variant type: single nucleotide variant.
Coding change: c.2027G>A on transcript NM_005027.4 (MANE Select); coding-DNA position 2027, G replaced by A.
Protein change: p.Gly676Asp; replaces glycine 676 with aspartic acid.
Molecular consequence: missense variant. On other transcripts: non-coding transcript variant (2).
Genome position (GRCh38, 1-based): chr19:18,169,134, G>A. VCF-style: chr19-18169134-G-A. GRCh37 (hg19) VCF-style: chr19-18279944-G-A.
Other names: short protein forms G676D.
Identifiers: ClinVar variation 5026721 (VCV005026721.1).
Genomic context (GRCh38, chr19:18,169,134, plus strand): 5'-TCTGCCCCCACAGAGTGGACGGCGACACCAAGCACTGCGTCATCTACCGCACGGCCACCG[G>A]CTTCGGCTTCGCGGAGCCCTACAACCTGTACGGGTCGCTGAAGGAGCTGGTGCTGCACTA-3'
Protein context (NP_005018.2, residues 666-686): KHCVIYRTAT[Gly676Asp]FGFAEPYNLY